The following is an entry in ClinVar:

ClinVar aggregate classification (germline): Uncertain significance. Review status: criteria provided, multiple submitters, no conflicts (2 of 4 stars). 2 submissions from 2 submitters: Uncertain significance (2). Last evaluated 2022-02-16.

Conditions:
Fanconi anemia (FA). Also called: Fanconi's anemia. Identifiers: Orphanet 84, MedGen C0015625, MeSH D005199, MONDO:0019391.
Fanconi anemia complementation group I (FANCI). Also called: FANCI-Related Fanconi Anemia. Identifiers: Orphanet 84, MedGen C1836861, MONDO:0012186, OMIM 609053.

Allele frequency attached by ClinVar (database versions not stated): ExAC 0.00001.
gnomAD v4.1: 51 of 1,613,954 alleles (0.0032%); highest among the groups gnomAD compares: Non-Finnish European, 0.0043%; no homozygotes.

Submissions (2):

Fulgent Genetics
Classification: Uncertain significance for Fanconi anemia complementation group I. Last evaluated: 2022-02-16. Review status: criteria provided, single submitter. Criteria: ACMG Guidelines, 2015. Collection method: clinical testing. Allele origin: unknown.

Labcorp Genetics (formerly Invitae), Labcorp
Classification: Uncertain significance for Fanconi anemia. Last evaluated: 2021-09-01. Review status: criteria provided, single submitter. Criteria: Invitae Variant Classification Sherloc (09022015). Collection method: clinical testing. Allele origin: germline.
Comment: This sequence change replaces serine with threonine at codon 979 of the FANCI protein (p.Ser979Thr). The serine residue is highly conserved and there is a small physicochemical difference between serine and threonine. This variant is present in population databases (rs769453869, ExAC 0.001%). This variant has not been reported in the literature in individuals affected with FANCI-related conditions. Algorithms developed to predict the effect of missense changes on protein structure and function are either unavailable or do not agree on the potential impact of this missense change (SIFT: "Deleterious"; PolyPhen-2: "Benign"; Align-GVGD: "Class C0"). In summary, the available evidence is currently insufficient to determine the role of this variant in disease. Therefore, it has been classified as a Variant of Uncertain Significance.

NM_001113378.2(FANCI):c.2936G>C (p.Ser979Thr)

Gene: FANCI (FA complementation group I; plus strand). Cytogenetic location: 15q26.1.
Variant type: single nucleotide variant.
Coding change: c.2936G>C on transcript NM_001113378.2 (MANE Select); coding-DNA position 2936, G replaced by C.
Protein change: p.Ser979Thr; replaces serine 979 with threonine.
Molecular consequence: missense variant.
Genome position (GRCh38, 1-based): chr15:89,301,372, G>C. VCF-style: chr15-89301372-G-C. GRCh37 (hg19) VCF-style: chr15-89844603-G-C.
Other names: c.2657G>C, p.Ser886Thr (NM_001376910.1); c.2936G>C, p.Ser979Thr (NM_001376911.1); c.2756G>C, p.Ser919Thr (NM_018193.3); short protein forms S919T, S886T, S979T.
Identifiers: ClinVar variation 1400472 (VCV001400472.6), dbSNP rs769453869, ClinGen allele CA7723525.